The following is an entry in ClinVar:

NM_001563.4(IMPG1):c.1186C>T (p.Pro396Ser)

Gene: IMPG1 (interphotoreceptor matrix proteoglycan 1; minus strand). Cytogenetic location: 6q14.1.
Variant type: single nucleotide variant.
Coding change: c.1186C>T on transcript NM_001563.4 (MANE Select); coding-DNA position 1186, C replaced by T.
Protein change: p.Pro396Ser; replaces proline 396 with serine.
Molecular consequence: missense variant.
Genome position (GRCh38, 1-based): chr6:76,003,900, G>A on the plus strand (C>T on the coding strand, the complement: IMPG1 is on the minus strand). VCF-style: chr6-76003900-G-A. GRCh37 (hg19) VCF-style: chr6-76713617-G-A.
Other names: c.952C>T, p.Pro318Ser (NM_001282368.2); short protein forms P318S, P396S.
Identifiers: ClinVar variation 1035706 (VCV001035706.7), dbSNP rs371337067, ClinGen allele CA3898208.

ClinVar aggregate classification (germline): Uncertain significance. Review status: criteria provided, multiple submitters, no conflicts (2 of 4 stars). 2 submissions from 2 submitters: Uncertain significance (2). Last evaluated 2025-03-17.

Allele frequency attached by ClinVar (database versions not stated): gnomAD 0.00001; gnomAD exomes 0.00001 and 0.00002; TOPMed 0.00001; ExAC 0.00002; ESP Exome Variant Server 0.00008.
gnomAD v4.1: 31 of 1,613,036 alleles (0.0019%); highest among the groups gnomAD compares: Non-Finnish European, 0.0026%; no homozygotes.

Submissions (2):

Labcorp Genetics (formerly Invitae), Labcorp
Classification: Uncertain significance. Last evaluated: 2025-03-17. Review status: criteria provided, single submitter. Criteria: Invitae Variant Classification Sherloc (09022015). Collection method: clinical testing. Allele origin: germline.
Comment: This sequence change replaces proline, which is neutral and non-polar, with serine, which is neutral and polar, at codon 396 of the IMPG1 protein (p.Pro396Ser). This variant is present in population databases (rs371337067, gnomAD 0.003%). This variant has not been reported in the literature in individuals affected with IMPG1-related conditions. ClinVar contains an entry for this variant (Variation ID: 1035706). An algorithm developed to predict the effect of missense changes on protein structure and function (PolyPhen-2) suggests that this variant is likely to be disruptive. In summary, the available evidence is currently insufficient to determine the role of this variant in disease. Therefore, it has been classified as a Variant of Uncertain Significance.

Blueprint Genetics
Classification: Uncertain significance. Last evaluated: 2023-10-26. Review status: criteria provided, single submitter. Criteria: ACMG Guidelines, 2015. Collection method: clinical testing. Allele origin: germline.